The following is an entry in ClinVar:

ClinVar aggregate classification (germline): Likely benign (1 of 4 stars; one submission).

Conditions:
TCOF1-related disorder. Also called: TCOF1-related condition.

gnomAD v4.1: 63 of 1,613,998 alleles (0.0039%); highest among the groups gnomAD compares: Non-Finnish European, 0.0053%; no homozygotes.

Submission:

PreventionGenetics, part of Exact Sciences
Classification: Likely benign for TCOF1-related condition. Last evaluated: 2025-02-19. Review status: criteria provided, single submitter. Criteria: ACMG Guidelines, 2015. Collection method: clinical testing. Allele origin: germline.
Comment: This variant is classified as likely benign based on ACMG/AMP sequence variant interpretation guidelines (Richards et al. 2015 PMID: 25741868, with internal and published modifications).

NM_001371623.1(TCOF1):c.164+10G>A

Gene: TCOF1 (treacle ribosome biogenesis factor 1; plus strand). Cytogenetic location: 5q32.
Variant type: single nucleotide variant.
Coding change: c.164+10G>A on transcript NM_001371623.1 (MANE Select); 10 bases into the intron after coding-DNA position 164, G replaced by A.
Molecular consequence: intron variant.
Genome position (GRCh38, 1-based): chr5:150,361,221, G>A. VCF-style: chr5-150361221-G-A. GRCh37 (hg19) VCF-style: chr5-149740784-G-A.
Other names: c.164+10G>A (NM_001135243.2, NM_001135244.2, NM_001195141.2 and 4 more transcripts).
Identifiers: ClinVar variation 4984633 (VCV004984633.1).